The following is an entry in ClinVar:

ClinVar aggregate classification (germline): Likely benign (1 of 4 stars; one submission).

Submission:

GeneDx
Classification: Likely benign. Last evaluated: 2018-04-23. Review status: criteria provided, single submitter. Criteria: GeneDx Variant Classification (06012015). Collection method: clinical testing. Allele origin: germline. Affected: yes.
Comment: This variant is considered likely benign or benign based on one or more of the following criteria: it is a conservative change, it occurs at a poorly conserved position in the protein, it is predicted to be benign by multiple in silico algorithms, and/or has population frequency not consistent with disease.

NM_001267550.2(TTN):c.92754C>G (p.Asp30918Glu)

Genes: TTN (titin; minus strand), TTN-AS1 (TTN antisense RNA 1; plus strand). Cytogenetic location: 2q31.2.
Variant type: single nucleotide variant.
Coding change: c.92754C>G on transcript NM_001267550.2 (MANE Select); coding-DNA position 92754, C replaced by G.
Protein change: p.Asp30918Glu; replaces aspartic acid 30918 with glutamic acid.
Molecular consequence: missense variant.
Genome position (GRCh38, 1-based): chr2:178,548,872, G>C on the plus strand (C>G on the coding strand, the complement: TTN is on the minus strand). VCF-style: chr2-178548872-G-C. GRCh37 (hg19) VCF-style: chr2-179413599-G-C.
Other names: c.87831C>G, p.Asp29277Glu (NM_001256850.1); c.65559C>G, p.Asp21853Glu (NM_003319.4); c.85050C>G, p.Asp28350Glu (NM_133378.4); c.65934C>G, p.Asp21978Glu (NM_133432.3); c.66135C>G, p.Asp22045Glu (NM_133437.4); short protein forms D29277E, D21853E, D28350E, D22045E, D30918E, D21978E.
Identifiers: ClinVar variation 679591 (VCV000679591.1), dbSNP rs1575478443, ClinGen allele CA349491279.